The following is an entry in ClinVar:

ClinVar aggregate classification (germline): Pathogenic/Likely pathogenic. Review status: criteria provided, multiple submitters, no conflicts (2 of 4 stars). 2 submissions from 2 submitters: Pathogenic (1); Likely pathogenic (1). Last evaluated 2014-10-30.

Conditions:
STAT3-related early-onset multisystem autoimmune disease. Also called: Autoimmune disease, multisystem, infantile-onset, 1. Identifiers: Orphanet 438159, MedGen C4014795, MONDO:0014414, OMIM 615952.
Hyper-IgE recurrent infection syndrome 1, autosomal dominant. Also called: Job's Syndrome; STAT3 Hyper IgE Syndrome; HYPER-IgE SYNDROME 1, AUTOSOMAL DOMINANT, WITH RECURRENT INFECTIONS; JOB SYNDROME; Hyper-IgE recurrent infection syndrome 1. Identifiers: Orphanet 2314, MedGen C2936739, MONDO:0007818, OMIM 147060.

Submissions (2):

Lupski Lab, Baylor-Hopkins CMG, Baylor College of Medicine
Classification: Pathogenic for STAT3-related early-onset multisystem autoimmune disease. Last evaluated: 2014-10-30. Review status: criteria provided, single submitter. Criteria: Milner et al. (Blood 2015). Collection method: research. Allele origin: de novo. Inheritance: Autosomal dominant inheritance. Affected: yes. Observed: 1 variant allele, 1 heterozygote.
Comment: segregates with the phenotype in an affected family

Women's Health and Genetics/Laboratory Corporation of America, LabCorp
Classification: Likely pathogenic for Hyper IgE Syndrome. Last evaluated: 2011-08-18. Review status: criteria provided, single submitter. Criteria: LabCorp Variant Classification Summary - May 2015. Collection method: curation, clinical testing. Allele origin: germline. Inheritance: autosomal unknown. Affected: yes.
ClinVar note: Converted during submission from likely pathogenic to Likely pathogenic.

NM_139276.3(STAT3):c.1243G>A (p.Glu415Lys)

Gene: STAT3 (signal transducer and activator of transcription 3; minus strand). Cytogenetic location: 17q21.2.
Variant type: single nucleotide variant.
Coding change: c.1243G>A on transcript NM_139276.3 (MANE Select); coding-DNA position 1243, G replaced by A.
Protein change: p.Glu415Lys; replaces glutamic acid 415 with lysine.
Molecular consequence: missense variant.
Genome position (GRCh38, 1-based): chr17:42,329,448, C>T on the plus strand (G>A on the coding strand, the complement: STAT3 is on the minus strand). VCF-style: chr17-42329448-C-T. GRCh37 (hg19) VCF-style: chr17-40481466-C-T.
Other names: c.1243G>A, p.Glu415Lys (NM_001369512.1, NM_001369513.1, NM_001369514.1 and 12 more transcripts); c.1165G>A, p.Glu389Lys (NM_001384985.1); c.1258G>A, p.Glu420Lys (NM_001384986.1, NM_001384990.1); c.1147G>A, p.Glu383Lys (NM_001384989.1); c.1183G>A, p.Glu395Lys (NM_001384992.1); short protein forms E415K, E383K, E389K, E395K, E420K.
Identifiers: ClinVar variation 36784 (VCV000036784.3), dbSNP rs193922717, ClinGen allele CA260534.